The following is an entry in ClinVar:

NM_000435.3(NOTCH3):c.2951T>G (p.Phe984Cys)

Genes: MIR6795 (microRNA 6795; minus strand), NOTCH3 (notch receptor 3; minus strand). Cytogenetic location: 19p13.12.
Variant type: single nucleotide variant.
Coding change: c.2951T>G on transcript NM_000435.3 (MANE Select); coding-DNA position 2951, T replaced by G.
Protein change: p.Phe984Cys; replaces phenylalanine 984 with cysteine.
Molecular consequence: missense variant.
Genome position (GRCh38, 1-based): chr19:15,181,004, A>C on the plus strand (T>G on the coding strand, the complement: NOTCH3 is on the minus strand). VCF-style: chr19-15181004-A-C. GRCh37 (hg19) VCF-style: chr19-15291815-A-C.
Other names: short protein forms F984C.
Identifiers: ClinVar variation 447818 (VCV000447818.11), dbSNP rs995523352, ClinGen allele CA404514611.

ClinVar aggregate classification (germline): Pathogenic/Likely pathogenic. Review status: criteria provided, multiple submitters, no conflicts (2 of 4 stars). 3 submissions from 3 submitters: Pathogenic (1); Likely pathogenic (2). Last evaluated 2026-08-26.

Conditions:
Cerebral arteriopathy, autosomal dominant, with subcortical infarcts and leukoencephalopathy, type 1 (CADASIL1). Also called: CASIL; Cerebral arteriopathy with subcortical infarcts and leukoencephalopathy 1; CADASIL 1; DEMENTIA, HEREDITARY MULTIINFARCT TYPE. Identifiers: Orphanet 136, MedGen C4551768, MONDO:0000914, OMIM 125310.

Submissions (3):

Department of Human Genetics, Hannover Medical School
Classification: Likely pathogenic for Cerebral arteriopathy, autosomal dominant, with subcortical infarcts and leukoencephalopathy, type 1. Last evaluated: 2026-08-26. Review status: criteria provided, single submitter. Criteria: ACMG Guidelines, 2015. Collection method: clinical testing. Allele origin: germline. Inheritance: Autosomal dominant inheritance. Affected: yes.
Comment: ACMG/ClinGen: PS4_Moderate, PM1, PM2_Supporting, PP3 (PMID: 11102981, 25623805, 28710804, internal data)

ARUP Laboratories, Molecular Genetics and Genomics, ARUP Laboratories
Classification: Likely pathogenic. Last evaluated: 2025-04-24. Review status: criteria provided, single submitter. Criteria: ARUP Molecular Germline Variant Investigation Process 2024. Collection method: clinical testing. Allele origin: germline.
Comment: The NOTCH3 c.2951T>G; p.Phe984Cys variant (rs995523352, ClinVar Variation ID: 447818) has been described in the literature in several individuals diagnosed with CADASIL (Abramycheva 2015, Chen 2017, Escary 2000). This variant is absent from the Genome Aggregation Database (v2.1.1), indicating it is not a common polymorphism. Computational analyses predict that this variant is deleterious (REVEL: 0.762). Most pathogenic NOTCH3 variants occur in exons 2-24 and either create or destroy a cysteine residue within an EGF-like domain (Rutten 2014), thus this variant is consistent with predominant mechanism of disease in this gene. Based on available information, this variant is considered to be likely pathogenic. References: Abramycheva N et al. New mutations in the Notch3 gene in patients with cerebral autosomal dominant arteriopathy with subcortical infarcts and leucoencephalopathy (CADASIL). J Neurol Sci. 2015 Feb 15;349(1-2):196-201. PMID: 25623805. Chen S et al. Clinical features and mutation spectrum in Chinese patients with CADASIL: A multicenter retrospective study. CNS Neurosci Ther. 2017 Sep;23(9):707-716. PMID: 28710804. Escary JL et al. Evaluation of DHPLC analysis in mutational scanning of Notch3, a gene with a high G-C content. Hum Mutat. 2000 Dec;16(6):518-26. PMID: 11102981. Rutten JW et al. Interpretation of NOTCH3 mutations in the diagnosis of CADASIL. Expert Rev Mol Diagn. 2014 Jun;14(5):593-603. PMID: 24844136.

Athena Diagnostics
Classification: Pathogenic. Last evaluated: 2022-05-11. Review status: criteria provided, single submitter. Criteria: Athena Diagnostics Criteria. Collection method: clinical testing. Allele origin: unknown.
Comment: This variant has been identified in at least one individual with CADASIL. This variant has not been reported in large, multi-ethnic general populations. This variant alters a critical location within the protein, and is expected to severely affect function and cause disease. Greater than 90% of pathogenic variants identified in NOTCH3 involve the gain or loss of a cysteine residue within the epidermal growth factor (EGF)-like repeat domain.

Literature cited by the submitters: PubMed 11102981 (cited by Athena Diagnostics); PubMed 25623805 (cited by Athena Diagnostics); PubMed 28710804 (cited by Athena Diagnostics).